The following is an entry in ClinVar:

ClinVar aggregate classification (germline): Pathogenic (1 of 4 stars; one submission).

Submission:

Labcorp Genetics (formerly Invitae), Labcorp
Classification: Pathogenic. Last evaluated: 2022-11-19. Review status: criteria provided, single submitter. Criteria: Invitae Variant Classification Sherloc (09022015). Collection method: clinical testing. Allele origin: unknown.
Comment: For these reasons, this variant has been classified as Pathogenic. This variant has not been reported in the literature in individuals affected with NBAS-related conditions. This variant is a gross deletion of the genomic region encompassing exon(s) 7-9 of the NBAS gene. This deletion is out-of-frame, and is expected to create a premature termination codon and result in an absent or disrupted protein product. Loss-of-function variants in NBAS are known to be pathogenic (PMID: 26073778, 26541327, 27789416, 28031453).

Literature cited by the submitters: PubMed 26073778; PubMed 26541327; PubMed 27789416; PubMed 28031453.

NC_000002.11:g.(?_15674647)_(15679500_?)del

Gene: NBAS (NBAS subunit of NRZ tethering complex; minus strand). Cytogenetic location: 2p24.3.
Variant type: Deletion.
Identifiers: ClinVar variation 3247564 (VCV003247564.1).